The following is an entry in ClinVar:

ClinVar aggregate classification (germline): Uncertain significance (1 of 4 stars; one submission).

Conditions:
Aortic aneurysm, familial thoracic 8 (AAT8). Identifiers: MedGen C3809513, MONDO:0014187, OMIM 615436.

Submission:

Labcorp Genetics (formerly Invitae), Labcorp
Classification: Uncertain significance for Aortic aneurysm, familial thoracic 8. Last evaluated: 2021-11-19. Review status: criteria provided, single submitter. Criteria: Invitae Variant Classification Sherloc (09022015). Collection method: clinical testing. Allele origin: germline.
Comment: This variant has not been reported in the literature in individuals affected with PRKG1-related conditions. In summary, the available evidence is currently insufficient to determine the role of this variant in disease. Therefore, it has been classified as a Variant of Uncertain Significance. Algorithms developed to predict the effect of missense changes on protein structure and function (SIFT, PolyPhen-2, Align-GVGD) all suggest that this variant is likely to be tolerated. This variant is not present in population databases (gnomAD no frequency). This sequence change replaces lysine, which is basic and polar, with glutamic acid, which is acidic and polar, at codon 493 of the PRKG1 protein (p.Lys493Glu).

NM_006258.4(PRKG1):c.1477A>G (p.Lys493Glu)

Gene: PRKG1 (protein kinase cGMP-dependent 1; plus strand). Cytogenetic location: 10q21.1.
Variant type: single nucleotide variant.
Coding change: c.1477A>G on transcript NM_006258.4 (MANE Select); coding-DNA position 1477, A replaced by G.
Protein change: p.Lys493Glu; replaces lysine 493 with glutamic acid.
Molecular consequence: missense variant.
Genome position (GRCh38, 1-based): chr10:52,280,862, A>G. VCF-style: chr10-52280862-A-G. GRCh37 (hg19) VCF-style: chr10-54040622-A-G.
Other names: c.1432A>G, p.Lys478Glu (NM_001098512.3); c.268A>G, p.Lys90Glu (NM_001374781.1); short protein forms K478E, K493E, K90E.
Identifiers: ClinVar variation 1437637 (VCV001437637.6), dbSNP rs2132447536, ClinGen allele CA376534994.